The following is an entry in ClinVar:

NM_005560.6(LAMA5):c.322G>A (p.Ala108Thr)

Gene: LAMA5 (laminin subunit alpha 5; minus strand). Cytogenetic location: 20q13.33.
Variant type: single nucleotide variant.
Coding change: c.322G>A on transcript NM_005560.6 (MANE Select); coding-DNA position 322, G replaced by A.
Protein change: p.Ala108Thr; replaces alanine 108 with threonine.
Molecular consequence: missense variant.
Genome position (GRCh38, 1-based): chr20:62,362,528, C>T on the plus strand (G>A on the coding strand, the complement: LAMA5 is on the minus strand). VCF-style: chr20-62362528-C-T. GRCh37 (hg19) VCF-style: chr20-60937584-C-T.
Other names: short protein forms A108T.
Identifiers: ClinVar variation 2872730 (VCV002872730.3), dbSNP rs760609224, ClinGen allele CA9944496.

ClinVar aggregate classification (germline): Uncertain significance (1 of 4 stars; one submission).

Allele frequency attached by ClinVar (database versions not stated): gnomAD exomes below 0.00001; ExAC 0.00001.
gnomAD v4.1: 2 of 1,598,038 alleles (0.00013%); highest among the groups gnomAD compares: East Asian, 0.0023%; no homozygotes.

Submission:

Labcorp Genetics (formerly Invitae), Labcorp
Classification: Uncertain significance. Last evaluated: 2023-08-13. Review status: criteria provided, single submitter. Criteria: Invitae Variant Classification Sherloc (09022015). Collection method: clinical testing. Allele origin: germline.
Comment: An algorithm developed to predict the effect of missense changes on protein structure and function (PolyPhen-2) suggests that this variant is likely to be disruptive. In summary, the available evidence is currently insufficient to determine the role of this variant in disease. Therefore, it has been classified as a Variant of Uncertain Significance. The frequency data for this variant in the population databases is considered unreliable, as metrics indicate poor data quality at this position in the gnomAD database. This sequence change replaces alanine, which is neutral and non-polar, with threonine, which is neutral and polar, at codon 108 of the LAMA5 protein (p.Ala108Thr). This variant has not been reported in the literature in individuals affected with LAMA5-related conditions.